The following is an entry in ClinVar:

ClinVar aggregate classification (germline): Uncertain significance. Review status: criteria provided, multiple submitters, no conflicts (2 of 4 stars). 2 submissions from 2 submitters: Uncertain significance (2). Last evaluated 2025-07-16.

Allele frequency attached by ClinVar (database versions not stated): gnomAD 0.00002 and 0.00003; gnomAD exomes 0.00002 and 0.00005; TOPMed 0.00003; ESP Exome Variant Server 0.00008.

Submissions (2):

Women's Health and Genetics/Laboratory Corporation of America, LabCorp
Classification: Uncertain significance. Last evaluated: 2025-07-16. Review status: criteria provided, single submitter. Criteria: LabCorp Variant Classification Summary - May 2015. Collection method: clinical testing. Allele origin: germline.
Comment: Variant summary: AEBP1 c.711C>A (p.Asp237Glu) results in a conservative amino acid change in the encoded protein sequence. Algorithms developed to predict the effect of missense changes on protein structure and function are either unavailable or do not agree on the potential impact of this missense change. The variant allele was found at a frequency of 2e-05 in 250874 control chromosomes. The available data on variant occurrences in the general population are insufficient to allow any conclusion about variant significance. To our knowledge, no occurrence of c.711C>A in individuals affected with Ehlers-Danlos syndrome, classic-like, 2 and no experimental evidence demonstrating its impact on protein function have been reported. ClinVar contains an entry for this variant (Variation ID: 1435995). Based on the evidence outlined above, the variant was classified as uncertain significance.

Labcorp Genetics (formerly Invitae), Labcorp
Classification: Uncertain significance. Last evaluated: 2022-07-18. Review status: criteria provided, single submitter. Criteria: Invitae Variant Classification Sherloc (09022015). Collection method: clinical testing. Allele origin: germline.
Comment: This sequence change replaces aspartic acid, which is acidic and polar, with glutamic acid, which is acidic and polar, at codon 237 of the AEBP1 protein (p.Asp237Glu). This variant is present in population databases (rs375315010, gnomAD 0.004%). This variant has not been reported in the literature in individuals affected with AEBP1-related conditions. ClinVar contains an entry for this variant (Variation ID: 1435995). Algorithms developed to predict the effect of missense changes on protein structure and function (SIFT, PolyPhen-2, Align-GVGD) all suggest that this variant is likely to be tolerated. In summary, the available evidence is currently insufficient to determine the role of this variant in disease. Therefore, it has been classified as a Variant of Uncertain Significance.

NM_001129.5(AEBP1):c.711C>A (p.Asp237Glu)

Gene: AEBP1 (AE binding protein 1; plus strand). Cytogenetic location: 7p13.
Variant type: single nucleotide variant.
Coding change: c.711C>A on transcript NM_001129.5 (MANE Select); coding-DNA position 711, C replaced by A.
Protein change: p.Asp237Glu; replaces aspartic acid 237 with glutamic acid.
Molecular consequence: missense variant.
Genome position (GRCh38, 1-based): chr7:44,107,672, C>A. VCF-style: chr7-44107672-C-A. GRCh37 (hg19) VCF-style: chr7-44147271-C-A.
Other names: short protein forms D237E.
Identifiers: ClinVar variation 1435995 (VCV001435995.4), dbSNP rs375315010, ClinGen allele CA157878218.